The following is an entry in ClinVar:

ClinVar aggregate classification (germline): Conflicting classifications of pathogenicity. Review status: criteria provided, conflicting classifications (1 of 4 stars). 2 submissions from 2 submitters: Uncertain significance (1); Likely benign (1). Last evaluated 2024-04-15.

Allele frequency attached by ClinVar (database versions not stated): gnomAD exomes 0.00001; gnomAD 0.00002; TOPMed 0.00002; ESP Exome Variant Server 0.00008.
gnomAD v4.1: 18 of 1,614,022 alleles (0.0011%); highest among the groups gnomAD compares: Non-Finnish European, 0.0015%; no homozygotes.

Submissions (2):

Labcorp Genetics (formerly Invitae), Labcorp
Classification: Likely benign. Last evaluated: 2024-04-15. Review status: criteria provided, single submitter. Criteria: Invitae Variant Classification Sherloc (09022015). Collection method: clinical testing. Allele origin: germline.

Athena Diagnostics
Classification: Uncertain significance. Last evaluated: 2024-02-19. Review status: criteria provided, single submitter. Criteria: Athena Diagnostics Criteria. Collection method: clinical testing. Allele origin: unknown.
Comment: Available data are insufficient to determine the clinical significance of the variant at this time. The frequency of this variant in the general population is uninformative in assessment of its pathogenicity. Computational tools yielded predictions that this variant is unlikely to have an effect on normal RNA splicing.

NM_173500.4(TTBK2):c.3471C>T (p.Ser1157=)

Gene: TTBK2 (tau tubulin kinase 2; minus strand). Cytogenetic location: 15q15.2.
Variant type: single nucleotide variant.
Coding change: c.3471C>T on transcript NM_173500.4 (MANE Select); coding-DNA position 3471, C replaced by T.
Protein change: p.Ser1157=; no amino-acid change (serine 1157 retained).
Molecular consequence: synonymous variant.
Genome position (GRCh38, 1-based): chr15:42,746,059, G>A on the plus strand (C>T on the coding strand, the complement: TTBK2 is on the minus strand). VCF-style: chr15-42746059-G-A. GRCh37 (hg19) VCF-style: chr15-43038257-G-A.
Identifiers: ClinVar variation 1807150 (VCV001807150.4), dbSNP rs371070916, ClinGen allele CA269922014.
Genomic context (GRCh38, chr15:42,746,059, plus strand): 5'-GTCATGGTGGGGCCGTCCAGCCCTAGATGGTGAGGAACTAGACGTGCGAGGCAAGGATGA[G>A]CTTCGAGGAGAGGCACTGGGACTCCTGCGAGGGACAACTGGACTCTTGGGTGGTGTTTTT-3'
Protein context (NP_775771.3, residues 1147-1167): PRRSPSASPR[Ser1157=]SSLPRTSSSS